The following is an entry in ClinVar:

ClinVar aggregate classification (germline): Uncertain significance (1 of 4 stars; one submission).

Conditions:
Growth hormone insensitivity with immune dysregulation 1, autosomal recessive. Also called: GROWTH HORMONE INSENSITIVITY DUE TO POSTRECEPTOR DEFECT; LARON SYNDROME DUE TO POSTRECEPTOR DEFECT; GROWTH HORMONE INSENSITIVITY SYNDROME WITH IMMUNE DYSREGULATION 1, AUTOSOMAL RECESSIVE; Laron syndrome with immunodeficiency. Identifiers: Orphanet 220465, MedGen C5435698, MONDO:0100211, OMIM 245590.

Submission:

Labcorp Genetics (formerly Invitae), Labcorp
Classification: Uncertain significance for Growth hormone insensitivity with immune dysregulation 1, autosomal recessive. Last evaluated: 2024-02-17. Review status: criteria provided, single submitter. Criteria: Invitae Variant Classification Sherloc (09022015). Collection method: clinical testing. Allele origin: germline.
Comment: This sequence change replaces valine, which is neutral and non-polar, with glutamic acid, which is acidic and polar, at codon 712 of the STAT5B protein (p.Val712Glu). This variant is not present in population databases (gnomAD no frequency). This variant has not been reported in the literature in individuals affected with STAT5B-related conditions. Advanced modeling of protein sequence and biophysical properties (such as structural, functional, and spatial information, amino acid conservation, physicochemical variation, residue mobility, and thermodynamic stability) performed at Invitae indicates that this missense variant is not expected to disrupt STAT5B protein function with a negative predictive value of 80%. Experimental studies have shown that this missense change affects STAT5B function (PMID: 27600764). In summary, the available evidence is currently insufficient to determine the role of this variant in disease. Therefore, it has been classified as a Variant of Uncertain Significance.

Literature cited by the submitters: PubMed 27600764.

NM_012448.4(STAT5B):c.2135T>A (p.Val712Glu)

Gene: STAT5B (signal transducer and activator of transcription 5B; minus strand). Cytogenetic location: 17q21.2.
Variant type: single nucleotide variant.
Coding change: c.2135T>A on transcript NM_012448.4 (MANE Select); coding-DNA position 2135, T replaced by A.
Protein change: p.Val712Glu; replaces valine 712 with glutamic acid.
Molecular consequence: missense variant.
Genome position (GRCh38, 1-based): chr17:42,202,442, A>T on the plus strand (T>A on the coding strand, the complement: STAT5B is on the minus strand). VCF-style: chr17-42202442-A-T. GRCh37 (hg19) VCF-style: chr17-40354460-A-T.
Other names: short protein forms V712E.
Identifiers: ClinVar variation 3688131 (VCV003688131.2).